The following is an entry in ClinVar:

NM_006231.4(POLE):c.897G>C (p.Met299Ile)

Gene: POLE (DNA polymerase epsilon, catalytic subunit; minus strand). Cytogenetic location: 12q24.33.
Variant type: single nucleotide variant.
Coding change: c.897G>C on transcript NM_006231.4 (MANE Select); coding-DNA position 897, G replaced by C.
Protein change: p.Met299Ile; replaces methionine 299 with isoleucine.
Molecular consequence: missense variant.
Genome position (GRCh38, 1-based): chr12:132,676,558, C>G on the plus strand (G>C on the coding strand, the complement: POLE is on the minus strand). VCF-style: chr12-132676558-C-G. GRCh37 (hg19) VCF-style: chr12-133253144-C-G.
Other names: short protein forms M299I.
Identifiers: ClinVar variation 1057550 (VCV001057550.9), dbSNP rs2136015510, ClinGen allele CA387364175.

ClinVar aggregate classification (germline): Uncertain significance (1 of 4 stars; one submission).

Submission:

Labcorp Genetics (formerly Invitae), Labcorp
Classification: Uncertain significance. Last evaluated: 2025-09-18. Review status: criteria provided, single submitter. Criteria: Invitae Variant Classification Sherloc (09022015). Collection method: clinical testing. Allele origin: germline.
Comment: This sequence change replaces methionine, which is neutral and non-polar, with isoleucine, which is neutral and non-polar, at codon 299 of the POLE protein (p.Met299Ile). This variant is not present in population databases (gnomAD no frequency). This variant has not been reported in the literature in individuals affected with POLE-related conditions. ClinVar contains an entry for this variant (Variation ID: 1057550). Invitae Evidence Modeling of protein sequence and biophysical properties (such as structural, functional, and spatial information, amino acid conservation, physicochemical variation, residue mobility, and thermodynamic stability) indicates that this missense variant is expected to disrupt POLE protein function with a positive predictive value of 80%. In summary, the available evidence is currently insufficient to determine the role of this variant in disease. Therefore, it has been classified as a Variant of Uncertain Significance.